The following is an entry in ClinVar:

ClinVar aggregate classification (germline): Uncertain significance (1 of 4 stars; one submission).

Allele frequency attached by ClinVar (database versions not stated): gnomAD exomes below 0.00001.
gnomAD v4.1: 2 of 1,591,250 alleles (0.00013%); highest among the groups gnomAD compares: Non-Finnish European, 0.00017%; no homozygotes.

Submission:

Labcorp Genetics (formerly Invitae), Labcorp
Classification: Uncertain significance. Last evaluated: 2024-02-17. Review status: criteria provided, single submitter. Criteria: Invitae Variant Classification Sherloc (09022015). Collection method: clinical testing. Allele origin: germline.
Comment: This sequence change replaces lysine, which is basic and polar, with glutamine, which is neutral and polar, at codon 375 of the C9 protein (p.Lys375Gln). This variant is present in population databases (no rsID available, gnomAD 0.0009%). This variant has not been reported in the literature in individuals affected with C9-related conditions. ClinVar contains an entry for this variant (Variation ID: 2119091). Advanced modeling of protein sequence and biophysical properties (such as structural, functional, and spatial information, amino acid conservation, physicochemical variation, residue mobility, and thermodynamic stability) performed at Invitae indicates that this missense variant is not expected to disrupt C9 protein function with a negative predictive value of 80%. In summary, the available evidence is currently insufficient to determine the role of this variant in disease. Therefore, it has been classified as a Variant of Uncertain Significance.

NM_001737.5(C9):c.1123A>C (p.Lys375Gln)

Gene: C9 (complement C9; minus strand). Cytogenetic location: 5p13.1.
Variant type: single nucleotide variant.
Coding change: c.1123A>C on transcript NM_001737.5 (MANE Select); coding-DNA position 1123, A replaced by C.
Protein change: p.Lys375Gln; replaces lysine 375 with glutamine.
Molecular consequence: missense variant.
Genome position (GRCh38, 1-based): chr5:39,308,347, T>G on the plus strand (A>C on the coding strand, the complement: C9 is on the minus strand). VCF-style: chr5-39308347-T-G. GRCh37 (hg19) VCF-style: chr5-39308449-T-G.
Other names: short protein forms K375Q.
Identifiers: ClinVar variation 2119091 (VCV002119091.4), dbSNP rs1266509994, ClinGen allele CA359554850.